The following is an entry in ClinVar:

NM_001184880.2(PCDH19):c.854C>T (p.Thr285Met)

Gene: PCDH19 (protocadherin 19; minus strand). Cytogenetic location: Xq22.1.
Variant type: single nucleotide variant.
Coding change: c.854C>T on transcript NM_001184880.2 (MANE Select); coding-DNA position 854, C replaced by T.
Protein change: p.Thr285Met; replaces threonine 285 with methionine.
Molecular consequence: missense variant.
Genome position (GRCh38, 1-based): chrX:100,407,744, G>A on the plus strand (C>T on the coding strand, the complement: PCDH19 is on the minus strand). VCF-style: chrX-100407744-G-A. GRCh37 (hg19) VCF-style: chrX-99662742-G-A.
Other names: c.854C>T, p.Thr285Met (NM_001105243.2, NM_020766.3); short protein forms T285M.
Identifiers: ClinVar variation 2076457 (VCV002076457.5), dbSNP rs1364286555, ClinGen allele CA414005199.
Genomic context (GRCh38, chrX:100,407,744, plus strand): 5'-TCTAAAGCGCCAGTGACAGTGACCAGGCCACTGTGCGGGTCGATCTGAAAGAGCTCGCGC[G>A]TGCGGTCGTTGACGTAGCCATAGAAGGAGTAGACCACCTGGCCGTTGGTGCCCTCGTCTG-3'
Protein context (NP_001171809.1, residues 275-295): YSFYGYVNDR[Thr285Met]RELFQIDPHS

ClinVar aggregate classification (germline): Uncertain significance. Review status: criteria provided, multiple submitters, no conflicts (2 of 4 stars). 2 submissions from 2 submitters: Uncertain significance (2). Last evaluated 2026-09-01.

Conditions:
Developmental and epileptic encephalopathy, 9 (DEE9). Also called: EPILEPSY, FEMALE-RESTRICTED, WITH MENTAL RETARDATION; Early infantile epileptic encephalopathy 9; JUBERG-HELLMAN SYNDROME; PCDH19-Related X-Linked Female-Limited Epilepsy with Mental Retardation. Identifiers: Orphanet 101039, Orphanet 2076, MedGen C1848137, MONDO:0010246, OMIM 300088. Disease mechanism: loss of function.

Allele frequency attached by ClinVar (database versions not stated): TOPMed 0.00001.
gnomAD v4.1: 2 of 1,212,314 alleles (0.00016%); highest among the groups gnomAD compares: Non-Finnish European, 0.00011%; no homozygotes.

Submissions (2):

CeGaT Center for Human Genetics Tuebingen
Classification: Uncertain significance. Last evaluated: 2026-09-01. Review status: criteria provided, single submitter. Criteria: CeGaT Center For Human Genetics Tuebingen Variant Classification Criteria Version 2. Collection method: clinical testing. Allele origin: germline. Affected: yes. Observed: 1 variant allele.
Comment: PCDH19: PM2, BP4

Labcorp Genetics (formerly Invitae), Labcorp
Classification: Uncertain significance for Developmental and epileptic encephalopathy, 9. Last evaluated: 2025-12-30. Review status: criteria provided, single submitter. Criteria: Invitae Variant Classification Sherloc (09022015). Collection method: clinical testing. Allele origin: germline.
Comment: This sequence change replaces threonine, which is neutral and polar, with methionine, which is neutral and non-polar, at codon 285 of the PCDH19 protein (p.Thr285Met). This variant is not present in population databases (gnomAD no frequency). This variant has not been reported in the literature in individuals affected with PCDH19-related conditions. ClinVar contains an entry for this variant (Variation ID: 2076457). Invitae Evidence Modeling of protein sequence and biophysical properties (such as structural, functional, and spatial information, amino acid conservation, physicochemical variation, residue mobility, and thermodynamic stability) has been performed for this missense variant. However, the output from this modeling did not meet the statistical confidence thresholds required to predict the impact of this variant on PCDH19 protein function. In summary, the available evidence is currently insufficient to determine the role of this variant in disease. Therefore, it has been classified as a Variant of Uncertain Significance.